The following is an entry in ClinVar:

NM_001130438.3(SPTAN1):c.5575G>A (p.Glu1859Lys)

Gene: SPTAN1 (spectrin alpha, non-erythrocytic 1; plus strand). Cytogenetic location: 9q34.11.
Variant type: single nucleotide variant.
Coding change: c.5575G>A on transcript NM_001130438.3 (MANE Select); coding-DNA position 5575, G replaced by A.
Protein change: p.Glu1859Lys; replaces glutamic acid 1859 with lysine.
Molecular consequence: missense variant.
Genome position (GRCh38, 1-based): chr9:128,618,083, G>A. VCF-style: chr9-128618083-G-A. GRCh37 (hg19) VCF-style: chr9-131380362-G-A.
Other names: c.5500G>A, p.Glu1834Lys (NM_001195532.2); c.5575G>A, p.Glu1859Lys (NM_001363759.2, NM_001375310.1, NM_001375311.2 and 1 more transcripts); c.5515G>A, p.Glu1839Lys (NM_001363765.2, NM_001375314.2); c.5611G>A, p.Glu1871Lys (NM_001375312.2, NM_001375318.1); c.5560G>A, p.Glu1854Lys (NM_003127.4); short protein forms E1839K, E1859K, E1834K, E1854K, E1871K.
Identifiers: ClinVar variation 3635924 (VCV003635924.2).

ClinVar aggregate classification (germline): Uncertain significance (1 of 4 stars; one submission).

Conditions:
Early-infantile DEE. Also called: Early infantile epileptic encephalopathy; Ohtahara syndrome; Early infantile epileptic encephalopathy with suppression bursts. Identifiers: Orphanet 1934, MedGen C0393706, MONDO:0800491.

Submission:

Labcorp Genetics (formerly Invitae), Labcorp
Classification: Uncertain significance for Early-infantile DEE. Last evaluated: 2024-02-20. Review status: criteria provided, single submitter. Criteria: Invitae Variant Classification Sherloc (09022015). Collection method: clinical testing. Allele origin: germline.
Comment: This sequence change replaces glutamic acid, which is acidic and polar, with lysine, which is basic and polar, at codon 1859 of the SPTAN1 protein (p.Glu1859Lys). This variant is not present in population databases (gnomAD no frequency). This variant has not been reported in the literature in individuals affected with SPTAN1-related conditions. Advanced modeling of protein sequence and biophysical properties (such as structural, functional, and spatial information, amino acid conservation, physicochemical variation, residue mobility, and thermodynamic stability) has been performed at Invitae for this missense variant, however the output from this modeling did not meet the statistical confidence thresholds required to predict the impact of this variant on SPTAN1 protein function. In summary, the available evidence is currently insufficient to determine the role of this variant in disease. Therefore, it has been classified as a Variant of Uncertain Significance.